The following is an entry in ClinVar:

ClinVar aggregate classification (germline): Benign. Review status: criteria provided, multiple submitters, no conflicts (2 of 4 stars). 2 submissions from 2 submitters: Benign (2). Last evaluated 2018-01-13.

Conditions:
Seizures, benign familial neonatal, 2. Also called: CONVULSIONS, BENIGN FAMILIAL NEONATAL, 2; KCNQ3-Related Self-Limited Familial Neonatal Epilepsy (SLFNE); Benign Neonatal Epilepsy 2; KCNQ3-Related Benign Familial Neonatal Epilepsy; Seizures, benign neonatal, 2. Identifiers: Orphanet 1949, MedGen C1852581, MONDO:0007366, OMIM 121201.

Allele frequency attached by ClinVar (database versions not stated): TOPMed 0.19719; 1000 Genomes Project 0.13478; gnomAD 0.20576 and 0.20317; 1000 Genomes Project 30x 0.13585.

Submissions (2):

Illumina Laboratory Services, Illumina
Classification: Benign for Seizures, benign familial neonatal, 2. Last evaluated: 2018-01-13. Review status: criteria provided, single submitter. Criteria: ICSL Variant Classification Criteria 13 December 2019. Collection method: clinical testing. Allele origin: germline.
Comment: This variant was observed in the ICSL laboratory as part of a predisposition screen in an ostensibly healthy population. It had not been previously curated by ICSL or reported in the Human Gene Mutation Database (HGMD: prior to June 1st, 2018), and was therefore a candidate for classification through an automated scoring system. Utilizing variant allele frequency, disease prevalence and penetrance estimates, and inheritance mode, an automated score was calculated to assess if this variant is too frequent to cause the disease. Based on the score and internal cut-off values, a variant classified as benign is not then subjected to further curation. The score for this variant resulted in a classification of benign for this disease.

Breakthrough Genomics
Classification: Benign. Review status: criteria provided, single submitter. Criteria: ACMG Guidelines, 2015. Collection method: not provided. Allele origin: germline. Inheritance: Autosomal dominant inheritance. Affected: yes.

NM_004519.4(KCNQ3):c.*7033T>C

Gene: KCNQ3 (potassium voltage-gated channel subfamily Q member 3; minus strand). Cytogenetic location: 8q24.22.
Variant type: single nucleotide variant.
Coding change: c.*7033T>C on transcript NM_004519.4 (MANE Select); 7033 bases downstream of the stop codon, T replaced by C.
Molecular consequence: 3 prime UTR variant.
Genome position (GRCh38, 1-based): chr8:132,122,229, A>G on the plus strand (T>C on the coding strand, the complement: KCNQ3 is on the minus strand). VCF-style: chr8-132122229-A-G. GRCh37 (hg19) VCF-style: chr8-133134476-A-G.
Other names: c.*7033T>C (NM_001204824.2).
Identifiers: ClinVar variation 361764 (VCV000361764.7), dbSNP rs2436128, ClinGen allele CA10630113.